The following is an entry in ClinVar:

ClinVar aggregate classification (germline): Uncertain significance (1 of 4 stars; one submission).

Conditions:
Pyruvate carboxylase deficiency. Also called: Pyruvate Carboxylase Deficiency Disease; LEIGH NECROTIZING ENCEPHALOPATHY DUE TO PYRUVATE CARBOXYLASE DEFICIENCY; LEIGH SYNDROME DUE TO PYRUVATE CARBOXYLASE DEFICIENCY; PC DEFICIENCY; ATAXIA WITH LACTIC ACIDOSIS II. Identifiers: Orphanet 3008, MedGen C0034341, MONDO:0009949, OMIM 266150.

Submission:

Labcorp Genetics (formerly Invitae), Labcorp
Classification: Uncertain significance for Pyruvate carboxylase deficiency. Last evaluated: 2023-10-13. Review status: criteria provided, single submitter. Criteria: Invitae Variant Classification Sherloc (09022015). Collection method: clinical testing. Allele origin: germline.
Comment: This sequence change replaces isoleucine, which is neutral and non-polar, with methionine, which is neutral and non-polar, at codon 37 of the PC protein (p.Ile37Met). This variant is not present in population databases (gnomAD no frequency). This variant has not been reported in the literature in individuals affected with PC-related conditions. ClinVar contains an entry for this variant (Variation ID: 1940841). Advanced modeling of protein sequence and biophysical properties (such as structural, functional, and spatial information, amino acid conservation, physicochemical variation, residue mobility, and thermodynamic stability) has been performed at Invitae for this missense variant, however the output from this modeling did not meet the statistical confidence thresholds required to predict the impact of this variant on PC protein function. In summary, the available evidence is currently insufficient to determine the role of this variant in disease. Therefore, it has been classified as a Variant of Uncertain Significance.

NM_001040716.2(PC):c.111C>G (p.Ile37Met)

Gene: PC (pyruvate carboxylase; minus strand). Cytogenetic location: 11q13.2.
Variant type: single nucleotide variant.
Coding change: c.111C>G on transcript NM_001040716.2 (MANE Select); coding-DNA position 111, C replaced by G.
Protein change: p.Ile37Met; replaces isoleucine 37 with methionine.
Molecular consequence: missense variant.
Genome position (GRCh38, 1-based): chr11:66,872,049, G>C on the plus strand (C>G on the coding strand, the complement: PC is on the minus strand). VCF-style: chr11-66872049-G-C. GRCh37 (hg19) VCF-style: chr11-66639520-G-C.
Other names: c.111C>G, p.Ile37Met (NM_000920.4, NM_022172.3); short protein forms I37M.
Identifiers: ClinVar variation 1940841 (VCV001940841.5), dbSNP rs2495805242, ClinGen allele CA381503442.
Genomic context (GRCh38, chr11:66,872,049, plus strand): 5'-ATGAGGCTCCTCTCACCGGCCCCACTGGTGCTCACCTCTGTTGGCCACCATGACTTTCTT[G>C]ATGGGCTTATACTCCAGGCGCCGGACATTTGGGGAGGCAGCGGGGGCGGTGGAGGTTCGG-3'
Protein context (NP_001035806.1, residues 27-47): PNVRRLEYKP[Ile37Met]KKVMVANRGE